The following is an entry in ClinVar:

NM_024884.3(L2HGDH):c.920G>A (p.Arg307Gln)

Gene: L2HGDH (L-2-hydroxyglutarate dehydrogenase; minus strand). Cytogenetic location: 14q21.3.
Variant type: single nucleotide variant.
Coding change: c.920G>A on transcript NM_024884.3 (MANE Select); coding-DNA position 920, G replaced by A.
Protein change: p.Arg307Gln; replaces arginine 307 with glutamine.
Molecular consequence: missense variant.
Genome position (GRCh38, 1-based): chr14:50,267,897, C>T on the plus strand (G>A on the coding strand, the complement: L2HGDH is on the minus strand). VCF-style: chr14-50267897-C-T. GRCh37 (hg19) VCF-style: chr14-50734615-C-T.
Other names: short protein forms R307Q.
Identifiers: ClinVar variation 2194589 (VCV002194589.4), dbSNP rs779462929, ClinGen allele CA7177838.
Genomic context (GRCh38, chr14:50,267,897, plus strand): 5'-GGCCCTAGCCAAATACTGCCATCCATCCTTGGTGTGAAGTGAACTCCTAGGAAAGGAAAC[C>T]GGCTATCTGGGACCTATAAATTTAACATAGTAAATAACAGCCTCATTTCACATTCCATGT-3'
Protein context (NP_079160.1, residues 297-317): KGNIYPVPDS[Arg307Gln]FPFLGVHFTP

ClinVar aggregate classification (germline): Uncertain significance (1 of 4 stars; one submission).

Conditions:
L-2-hydroxyglutaric aciduria (L2HGA). Identifiers: Orphanet 79314, MedGen C1855995, MONDO:0009370, OMIM 236792, HP:0040144.

Allele frequency attached by ClinVar (database versions not stated): ExAC 0.00001; gnomAD exomes 0.00001; gnomAD 0.00002; TOPMed 0.00002.
gnomAD v4.1: 26 of 1,613,838 alleles (0.0016%); highest among the groups gnomAD compares: African/African-American, 0.004%; no homozygotes.

Submission:

Labcorp Genetics (formerly Invitae), Labcorp
Classification: Uncertain significance for L-2-hydroxyglutaric aciduria. Last evaluated: 2022-07-06. Review status: criteria provided, single submitter. Criteria: Invitae Variant Classification Sherloc (09022015). Collection method: clinical testing. Allele origin: germline.
Comment: In summary, the available evidence is currently insufficient to determine the role of this variant in disease. Therefore, it has been classified as a Variant of Uncertain Significance. Algorithms developed to predict the effect of sequence changes on RNA splicing suggest that this variant may disrupt the consensus splice site. Algorithms developed to predict the effect of missense changes on protein structure and function are either unavailable or do not agree on the potential impact of this missense change (SIFT: "Deleterious"; PolyPhen-2: "Possibly Damaging"; Align-GVGD: "Class C0"). This variant has not been reported in the literature in individuals affected with L2HGDH-related conditions. This variant is present in population databases (rs779462929, gnomAD 0.008%). This sequence change replaces arginine, which is basic and polar, with glutamine, which is neutral and polar, at codon 307 of the L2HGDH protein (p.Arg307Gln).